The following is an entry in ClinVar:

NM_001177316.2(SLC34A3):c.497G>A (p.Gly166Asp)

Gene: SLC34A3 (solute carrier family 34 member 3; plus strand). Cytogenetic location: 9q34.3.
Variant type: single nucleotide variant.
Coding change: c.497G>A on transcript NM_001177316.2 (MANE Select); coding-DNA position 497, G replaced by A.
Protein change: p.Gly166Asp; replaces glycine 166 with aspartic acid.
Molecular consequence: missense variant.
Genome position (GRCh38, 1-based): chr9:137,233,052, G>A. VCF-style: chr9-137233052-G-A. GRCh37 (hg19) VCF-style: chr9-140127504-G-A.
Other names: c.497G>A, p.Gly166Asp (NM_001177317.2, NM_080877.3); c.497G>A (NM_080877.2); short protein forms G166D.
Identifiers: ClinVar variation 1398300 (VCV001398300.12), dbSNP rs1056269862, ClinGen allele CA201694662.

ClinVar aggregate classification (germline): Uncertain significance. Review status: criteria provided, multiple submitters, no conflicts (2 of 4 stars). 5 submissions from 5 submitters: Uncertain significance (5). Last evaluated 2025-06-27.

Conditions:
Autosomal recessive hypophosphatemic bone disease (HHRH). Also called: HYPERCALCIURIC RICKETS; Hypophosphatemic rickets with hypercalciuria. Identifiers: Orphanet 157215, MedGen C1853271, MONDO:0009431, OMIM 241530.
SLC34A3-related disorder. Also called: SLC34A3-related condition.
Inborn genetic diseases. Identifiers: MedGen C0950123, MeSH D030342.

Allele frequency attached by ClinVar (database versions not stated): gnomAD exomes below 0.00001; TOPMed below 0.00001.
gnomAD v4.1: 3 of 1,611,456 alleles (0.00019%); highest among the groups gnomAD compares: Non-Finnish European, 0.00017%; no homozygotes.

Submissions (5):

PreventionGenetics, part of Exact Sciences
Classification: Uncertain significance for SLC34A3-related condition. Last evaluated: 2025-06-27. Review status: criteria provided, single submitter. Criteria: ACMG Guidelines, 2015. Collection method: clinical testing. Allele origin: germline.
Comment: The SLC34A3 c.497G>A variant is predicted to result in the amino acid substitution p.Gly166Asp. To our knowledge, this variant has not been reported in the literature or in a large population database (gnomAD), indicating this variant is rare. An alternate missense change at the same amino acid position (c.496G>A, p.Gly166Ser) has been reported in individuals with renal hypophosphatemia or recurrent nephrolithiasis and functional studies indicate this variant abolished phosphate uptake (Supp. Table 1, Hureaux et al. 2019. PubMed ID: 31672324; Brazier et al. 2023. PubMed ID: 36596813). Although we suspect this variant could be pathogenic, at this time, the clinical significance of this variant is uncertain due to the absence of conclusive functional and genetic evidence.

3billion
Classification: Uncertain significance for Autosomal recessive hypophosphatemic bone disease. Last evaluated: 2024-11-25. Review status: criteria provided, single submitter. Criteria: ACMG Guidelines, 2015. Collection method: clinical testing. Allele origin: germline. Affected: yes.
Comment: The variant is observed at an extremely low frequency in the gnomAD v4.1.0 dataset (total allele frequency: <0.001%). Predicted Consequence/Location: Missense variant. The majority of the known disease-causing variants of this gene are variants expected to result in premature termination of the protein. In silico tool predictions suggest damaging effect of the variant on gene or gene product [REVEL: 0.96 (>=0.6, sensitivity 0.68 and specificity 0.92); 3Cnet: 0.37 (>=0.6, sensitivity 0.72 and precision 0.9)]. A different missense change at the same codon (p.Gly166Ser) has been reported to be associated with SLC34A3 related disorder (ClinVar ID: VCV000954131 /PMID: 31672324). Therefore, this variant is classified as VUS according to the recommendation of ACMG/AMP guideline.

Ambry Genetics
Classification: Uncertain significance for Inborn genetic diseases. Last evaluated: 2024-10-16. Review status: criteria provided, single submitter. Criteria: Ambry Variant Classification Scheme 2023. Collection method: clinical testing. Allele origin: germline.

Labcorp Genetics (formerly Invitae), Labcorp
Classification: Uncertain significance. Last evaluated: 2024-04-29. Review status: criteria provided, single submitter. Criteria: Invitae Variant Classification Sherloc (09022015). Collection method: clinical testing. Allele origin: germline.
Comment: This sequence change replaces glycine, which is neutral and non-polar, with aspartic acid, which is acidic and polar, at codon 166 of the SLC34A3 protein (p.Gly166Asp). This variant is not present in population databases (gnomAD no frequency). This variant has not been reported in the literature in individuals affected with SLC34A3-related conditions. ClinVar contains an entry for this variant (Variation ID: 1398300). Advanced modeling of protein sequence and biophysical properties (such as structural, functional, and spatial information, amino acid conservation, physicochemical variation, residue mobility, and thermodynamic stability) performed at Invitae indicates that this missense variant is expected to disrupt SLC34A3 protein function with a positive predictive value of 80%. In summary, the available evidence is currently insufficient to determine the role of this variant in disease. Therefore, it has been classified as a Variant of Uncertain Significance.

Fulgent Genetics
Classification: Uncertain significance for Autosomal recessive hypophosphatemic bone disease. Last evaluated: 2024-04-12. Review status: criteria provided, single submitter. Criteria: ACMG Guidelines, 2015. Collection method: clinical testing. Allele origin: germline.

Literature cited by the submitters: PubMed 31672324 (cited by 3billion).